The following is an entry in ClinVar:

NM_006269.2(RP1):c.941C>G (p.Pro314Arg)

Gene: RP1 (RP1 axonemal microtubule associated; plus strand). Cytogenetic location: 8q12.1.
Variant type: single nucleotide variant.
Coding change: c.941C>G on transcript NM_006269.2 (MANE Select); coding-DNA position 941, C replaced by G.
Protein change: p.Pro314Arg; replaces proline 314 with arginine.
Molecular consequence: missense variant. On other transcripts: intron variant (1).
Genome position (GRCh38, 1-based): chr8:54,624,823, C>G. VCF-style: chr8-54624823-C-G. GRCh37 (hg19) VCF-style: chr8-55537383-C-G.
Other names: c.941C>G (NM_006269.1); c.787+2535C>G (NM_001375654.1); short protein forms P314R.
Identifiers: ClinVar variation 1421968 (VCV001421968.11), dbSNP rs1162719061, ClinGen allele CA370988928.

ClinVar aggregate classification (germline): Uncertain significance. Review status: criteria provided, multiple submitters, no conflicts (2 of 4 stars). 5 submissions from 5 submitters: Uncertain significance (5). Last evaluated 2026-01-26.

Conditions:
RP1-related disorder. Also called: RP1-related condition.
Inborn genetic diseases. Identifiers: MedGen C0950123, MeSH D030342.

Allele frequency attached by ClinVar (database versions not stated): gnomAD exomes 0.00001; TOPMed 0.00002; gnomAD 0.00003 and 0.00004.
gnomAD v4.1: 22 of 1,613,582 alleles (0.0014%); highest among the groups gnomAD compares: Non-Finnish European, 0.0017%; no homozygotes.

Submissions (5):

PreventionGenetics, part of Exact Sciences
Classification: Uncertain significance for RP1-related condition. Last evaluated: 2026-01-26. Review status: criteria provided, single submitter. Criteria: ACMG Guidelines, 2015. Collection method: clinical testing. Allele origin: germline.
Comment: The RP1 c.941C>G variant is predicted to result in the amino acid substitution p.Pro314Arg. To our knowledge, this variant has not been reported in the literature or in a large population database (gnomAD), indicating this variant is rare. At this time, the clinical significance of this variant is uncertain due to the absence of conclusive functional and genetic evidence.

Ambry Genetics
Classification: Uncertain significance for Inborn genetic diseases. Last evaluated: 2025-12-31. Review status: criteria provided, single submitter. Criteria: Ambry Variant Classification Scheme 2023. Collection method: clinical testing. Allele origin: germline.

Labcorp Genetics (formerly Invitae), Labcorp
Classification: Uncertain significance. Last evaluated: 2024-06-26. Review status: criteria provided, single submitter. Criteria: Invitae Variant Classification Sherloc (09022015). Collection method: clinical testing. Allele origin: germline.
Comment: This sequence change replaces proline, which is neutral and non-polar, with arginine, which is basic and polar, at codon 314 of the RP1 protein (p.Pro314Arg). This variant is not present in population databases (gnomAD no frequency). This variant has not been reported in the literature in individuals affected with RP1-related conditions. ClinVar contains an entry for this variant (Variation ID: 1421968). An algorithm developed to predict the effect of missense changes on protein structure and function (PolyPhen-2) suggests that this variant is likely to be disruptive. In summary, the available evidence is currently insufficient to determine the role of this variant in disease. Therefore, it has been classified as a Variant of Uncertain Significance.

GeneDx
Classification: Uncertain significance. Last evaluated: 2022-12-02. Review status: criteria provided, single submitter. Criteria: GeneDx Variant Classification Process June 2021. Collection method: clinical testing. Allele origin: germline. Affected: yes.
Comment: Not observed at significant frequency in large population cohorts (gnomAD); In silico analysis supports that this missense variant has a deleterious effect on protein structure/function; Has not been previously published as pathogenic or benign to our knowledge

Blueprint Genetics
Classification: Uncertain significance. Last evaluated: 2022-11-13. Review status: criteria provided, single submitter. Criteria: ACMG Guidelines, 2015. Collection method: clinical testing. Allele origin: germline.